The following is an entry in ClinVar:

NM_004525.3(LRP2):c.8892G>T (p.Arg2964Ser)

Gene: LRP2 (LDL receptor related protein 2; minus strand). Cytogenetic location: 2q31.1.
Variant type: single nucleotide variant.
Coding change: c.8892G>T on transcript NM_004525.3 (MANE Select); coding-DNA position 8892, G replaced by T.
Protein change: p.Arg2964Ser; replaces arginine 2964 with serine.
Molecular consequence: missense variant.
Genome position (GRCh38, 1-based): chr2:169,191,972, C>A on the plus strand (G>T on the coding strand, the complement: LRP2 is on the minus strand). VCF-style: chr2-169191972-C-A. GRCh37 (hg19) VCF-style: chr2-170048482-C-A.
Other names: short protein forms R2964S.
Identifiers: ClinVar variation 453043 (VCV000453043.10), dbSNP rs149148763, ClinGen allele CA1953721.

ClinVar aggregate classification (germline): Uncertain significance. Review status: criteria provided, multiple submitters, no conflicts (2 of 4 stars). 3 submissions from 3 submitters: Uncertain significance (3). Last evaluated 2025-06-12.

Conditions:
Donnai-Barrow syndrome. Also called: DBS/FOAR SYNDROME; FACIOOCULOACOUSTICORENAL SYNDROME. Identifiers: Orphanet 2143, MedGen C1857277, MONDO:0009104, OMIM 222448.

Allele frequency attached by ClinVar (database versions not stated): TOPMed 0.00006; 1000 Genomes Project 0.00040; 1000 Genomes Project 30x 0.00047.
gnomAD v4.1: 17 of 1,614,196 alleles (0.0011%); highest among the groups gnomAD compares: African/African-American, 0.021%; no homozygotes.

Submissions (3):

Labcorp Genetics (formerly Invitae), Labcorp
Classification: Uncertain significance. Last evaluated: 2025-06-12. Review status: criteria provided, single submitter. Criteria: Invitae Variant Classification Sherloc (09022015). Collection method: clinical testing. Allele origin: germline.
Comment: This sequence change replaces arginine, which is basic and polar, with serine, which is neutral and polar, at codon 2964 of the LRP2 protein (p.Arg2964Ser). This variant is present in population databases (rs149148763, gnomAD 0.03%). This variant has not been reported in the literature in individuals affected with LRP2-related conditions. ClinVar contains an entry for this variant (Variation ID: 453043). Invitae Evidence Modeling of protein sequence and biophysical properties (such as structural, functional, and spatial information, amino acid conservation, physicochemical variation, residue mobility, and thermodynamic stability) indicates that this missense variant is not expected to disrupt LRP2 protein function with a negative predictive value of 95%. In summary, the available evidence is currently insufficient to determine the role of this variant in disease. Therefore, it has been classified as a Variant of Uncertain Significance.

Fulgent Genetics
Classification: Uncertain significance for Donnai-Barrow syndrome. Last evaluated: 2024-03-14. Review status: criteria provided, single submitter. Criteria: ACMG Guidelines, 2015. Collection method: clinical testing. Allele origin: germline.

GeneDx
Classification: Uncertain significance. Last evaluated: 2017-11-01. Review status: criteria provided, single submitter. Criteria: GeneDx Variant Classification (06012015). Collection method: clinical testing. Allele origin: germline. Affected: yes.
Comment: The R2964S variant in the LRP2 gene has not been reported previously as a pathogenic variant, nor as a benign variant, to our knowledge. Although not observed in the homozygous state, the R2964S variant is observed in 5/15300 (0.03%) alleles from individuals of African background in large population cohorts (Lek et al., 2016). The R2964S variant is a semi-conservative amino acid substitution, which may impact secondary protein structure as these residues differ in some properties. This substitution occurs at a position that is not conserved, and in silico analysis is inconsistent in its predictions as to whether or not the variant is damaging to the protein structure/function. We interpret R2964S as a variant of uncertain significance.